The following is an entry in ClinVar:

ClinVar aggregate classification (germline): Conflicting classifications of pathogenicity. Review status: criteria provided, conflicting classifications (1 of 4 stars). 11 submissions from 11 submitters: Uncertain significance (6); Likely benign (2). 3 of the submissions do not count toward it. Last evaluated 2026-01-26.

Conditions:
CNGB1-related retinopathy. Identifiers: MedGen CN322609, MONDO:0800403.
CNGB1-related disorder. Also called: CNGB1-related condition.
Retinal dystrophy. Also called: Inherited retinal dystrophy. Identifiers: Orphanet 71862, MedGen C0854723, MeSH D058499, MONDO:0019118, HP:0000556.
Retinitis pigmentosa (RP). Identifiers: Orphanet 791, MedGen C0035334, MeSH D012174, MONDO:0019200, OMIM 268000. Inheritance: Autosomal dominant, autosomal recessive and X linked inheritance.

Allele frequency attached by ClinVar (database versions not stated): 1000 Genomes Project 0.00020; 1000 Genomes Project 30x 0.00031; gnomAD 0.00045; ESP Exome Variant Server 0.00049; TOPMed 0.00058.
gnomAD v4.1: 1,576 of 1,614,030 alleles (0.098%); highest among the groups gnomAD compares: Non-Finnish European, 0.11%; 4 homozygotes.

Submissions (11):

Labcorp Genetics (formerly Invitae), Labcorp
Classification: Likely benign. Last evaluated: 2026-01-26. Review status: criteria provided, single submitter. Criteria: Invitae Variant Classification Sherloc (09022015). Collection method: clinical testing. Allele origin: germline.

CeGaT Center for Human Genetics Tuebingen
Classification: Uncertain significance. Last evaluated: 2025-04-01. Review status: criteria provided, single submitter. Criteria: CeGaT Center For Human Genetics Tuebingen Variant Classification Criteria Version 2. Collection method: clinical testing. Allele origin: germline. Affected: yes. Observed: 1 variant allele.
Comment: CNGB1: PM5

Blueprint Genetics
Classification: Likely benign. Last evaluated: 2024-11-15. Review status: criteria provided, single submitter. Criteria: ACMG Guidelines, 2015. Collection method: clinical testing. Allele origin: germline.

Institute of Human Genetics, Univ. Regensburg, Univ. Regensburg
Classification: Uncertain significance for Retinal dystrophy. Last evaluated: 2022-01-01. Review status: criteria provided, single submitter. Criteria: ACMG Guidelines, 2015. Collection method: clinical testing. Allele origin: germline. Affected: yes.

Department of Pathology and Laboratory Medicine, Sinai Health System
Classification: Uncertain significance for CNGB1-related retinopathy. Last evaluated: 2020-05-26. Review status: criteria provided, single submitter. Criteria: ACMG Guidelines, 2015. Collection method: research. Allele origin: germline.

Illumina Laboratory Services, Illumina
Classification: Uncertain significance for Retinitis pigmentosa. Last evaluated: 2018-01-13. Review status: criteria provided, single submitter. Criteria: ICSL Variant Classification Criteria 13 December 2019. Collection method: clinical testing. Allele origin: germline.

GeneDx
Classification: Uncertain significance. Last evaluated: 2016-08-16. Review status: criteria provided, single submitter. Criteria: GeneDx Variant Classification (06012015). Collection method: clinical testing. Allele origin: germline. Affected: yes.
Comment: The R737C variant in the CNGB1 gene has not been reported previously as a pathogenic variant, nor as a benign variant, to our knowledge. The R737C variant was not observed at any significant frequency in approximately 6100 individuals of European and African American ancestry in the NHLBI Exome Sequencing Project, indicating it is not a common benign variant in these populations. The R737C variant is a non-conservative amino acid substitution, which is likely to impact secondary protein structure as these residues differ in polarity, charge, size and/or other properties. This substitution occurs at a position that is conserved across species. In silico analysis predicts this variant is probably damaging to the protein structure/function. We interpret R737C as a variant of uncertain significance.

Eurofins Ntd Llc (ga)
Classification: Uncertain significance. Last evaluated: 2015-01-30. Review status: criteria provided, single submitter. Criteria: EGL Classification Definitions 2015. Collection method: clinical testing. Allele origin: germline. Observed: 1 variant allele, 1 heterozygote.

PreventionGenetics, part of Exact Sciences
Classification: Uncertain significance for CNGB1-related condition. Last evaluated: 2024-09-11. Review status: no assertion criteria provided. Collection method: clinical testing. Allele origin: germline. Not counted in ClinVar's aggregate classification.
Comment: The CNGB1 c.2209C>T variant is predicted to result in the amino acid substitution p.Arg737Cys. This variant has been reported, along with another possible causative variant in the same gene, in patients with retinitis pigmentosa (Table S2, Martin-Merida et al. 2019. PubMed ID: 30902645; Table S4, Panneman et al. 2023. PubMed ID: 36819107). This variant was also described in a patient with mental illness (variant described as c.C2191T, Ganesh et al. 2018. PubMed ID: 30367527). However, no functional or segregation analyses were performed to help determine the pathogenicity of this variant. This variant is reported in 0.30% of alleles in individuals of Ashkenazi Jewish descent in gnomAD, and one homozygous individual has been documented, which may be too frequent to be a primary cause of disease. Of note, another variant impacting the same amino acid (p.Arg737His) has also been reported in patients with retinitis pigmentosa (Charbel Issa et al. 2018. PubMed ID: 29800053). At this time, the clinical significance of this variant is uncertain due to the absence of conclusive functional and genetic evidence.

Clinical Genetics DNA and cytogenetics Diagnostics Lab, Erasmus MC, Erasmus Medical Center
Classification: Uncertain significance. Review status: no assertion criteria provided. Collection method: clinical testing. Allele origin: germline. Affected: yes. Study: VKGL Data-share Consensus. Not counted in ClinVar's aggregate classification.

Joint Genome Diagnostic Labs from Nijmegen and Maastricht, Radboudumc and MUMC+
Classification: Uncertain significance. Review status: no assertion criteria provided. Collection method: clinical testing. Allele origin: germline. Affected: yes. Study: VKGL Data-share Consensus. Not counted in ClinVar's aggregate classification.

Literature cited by the submitters: PubMed 30367527 (cited by Institute of Human Genetics, Univ. Regensburg, Univ. Regensburg); PubMed 30902645 (cited by Institute of Human Genetics, Univ. Regensburg, Univ. Regensburg); PubMed 36819107 (cited by Institute of Human Genetics, Univ. Regensburg, Univ. Regensburg).

NM_001297.5(CNGB1):c.2209C>T (p.Arg737Cys)

Gene: CNGB1 (cyclic nucleotide gated channel subunit beta 1; minus strand). Cytogenetic location: 16q21.
Variant type: single nucleotide variant.
Coding change: c.2209C>T on transcript NM_001297.5 (MANE Select); coding-DNA position 2209, C replaced by T.
Protein change: p.Arg737Cys; replaces arginine 737 with cysteine.
Molecular consequence: missense variant.
Genome position (GRCh38, 1-based): chr16:57,916,137, G>A on the plus strand (C>T on the coding strand, the complement: CNGB1 is on the minus strand). VCF-style: chr16-57916137-G-A. GRCh37 (hg19) VCF-style: chr16-57950041-G-A.
Other names: c.2191C>T, p.Arg731Cys (NM_001286130.2); short protein forms R737C, R731C.
Identifiers: ClinVar variation 195667 (VCV000195667.34), dbSNP rs192843629, ClinGen allele CA242185.